The following is an entry in ClinVar:

NM_017757.3(ZNF407):c.3010G>A (p.Asp1004Asn)

Genes: ZNF407 (zinc finger protein 407; plus strand), LOC126862798 (MED14-independent group 3 enhancer GRCh37_chr18:72345358-72346557; plus strand). Cytogenetic location: 18q22.3.
Variant type: single nucleotide variant.
Coding change: c.3010G>A on transcript NM_017757.3 (MANE Select); coding-DNA position 3010, G replaced by A.
Protein change: p.Asp1004Asn; replaces aspartic acid 1004 with asparagine.
Molecular consequence: missense variant.
Genome position (GRCh38, 1-based): chr18:74,634,029, G>A. VCF-style: chr18-74634029-G-A. GRCh37 (hg19) VCF-style: chr18-72345985-G-A.
Other names: c.3010G>A (NM_017757.2); c.3010G>A, p.Asp1004Asn (NM_001146189.1, NM_001146190.1, NM_001384475.1); short protein forms D1004N.
Identifiers: ClinVar variation 2049111 (VCV002049111.6), dbSNP rs201522427, ClinGen allele CA9000606.

ClinVar aggregate classification (germline): Uncertain significance. Review status: criteria provided, multiple submitters, no conflicts (2 of 4 stars). 2 submissions from 2 submitters: Uncertain significance (2). Last evaluated 2023-02-14.

Allele frequency attached by ClinVar (database versions not stated): ExAC 0.00007; gnomAD 0.00003; TOPMed 0.00003; ESP Exome Variant Server 0.00016.
gnomAD v4.1: 76 of 1,613,928 alleles (0.0047%); highest among the groups gnomAD compares: Non-Finnish European, 0.0058%; no homozygotes.

Submissions (2):

Ambry Genetics
Classification: Uncertain significance. Last evaluated: 2023-02-14. Review status: criteria provided, single submitter. Criteria: Ambry Variant Classification Scheme 2023. Collection method: clinical testing. Allele origin: germline.

Labcorp Genetics (formerly Invitae), Labcorp
Classification: Uncertain significance. Last evaluated: 2022-09-18. Review status: criteria provided, single submitter. Criteria: Invitae Variant Classification Sherloc (09022015). Collection method: clinical testing. Allele origin: germline.
Comment: In summary, the available evidence is currently insufficient to determine the role of this variant in disease. Therefore, it has been classified as a Variant of Uncertain Significance. Algorithms developed to predict the effect of missense changes on protein structure and function output the following: SIFT: "Deleterious"; PolyPhen-2: "Benign"; Align-GVGD: "Class C0". The asparagine amino acid residue is found in multiple mammalian species, which suggests that this missense change does not adversely affect protein function. This variant has not been reported in the literature in individuals affected with ZNF407-related conditions. This variant is present in population databases (rs201522427, gnomAD 0.01%). This sequence change replaces aspartic acid, which is acidic and polar, with asparagine, which is neutral and polar, at codon 1004 of the ZNF407 protein (p.Asp1004Asn).